The following is an entry in ClinVar:

NM_000240.4(MAOA):c.1459A>C (p.Thr487Pro)

Gene: MAOA (monoamine oxidase A; plus strand). Cytogenetic location: Xp11.3.
Variant type: single nucleotide variant.
Coding change: c.1459A>C on transcript NM_000240.4 (MANE Select); coding-DNA position 1459, A replaced by C.
Protein change: p.Thr487Pro; replaces threonine 487 with proline.
Molecular consequence: missense variant.
Genome position (GRCh38, 1-based): chrX:43,744,388, A>C. VCF-style: chrX-43744388-A-C. GRCh37 (hg19) VCF-style: chrX-43603635-A-C.
Other names: c.1060A>C, p.Thr354Pro (NM_001270458.2); short protein forms T354P, T487P.
Identifiers: ClinVar variation 3655182 (VCV003655182.2).

ClinVar aggregate classification (germline): Uncertain significance (1 of 4 stars; one submission).

Conditions:
Brunner syndrome (BRNRS). Identifiers: Orphanet 3057, MedGen C0796275, MONDO:0010379, OMIM 300615.

Submission:

Labcorp Genetics (formerly Invitae), Labcorp
Classification: Uncertain significance for Brunner syndrome. Last evaluated: 2024-06-08. Review status: criteria provided, single submitter. Criteria: Invitae Variant Classification Sherloc (09022015). Collection method: clinical testing. Allele origin: germline.
Comment: This sequence change replaces threonine, which is neutral and polar, with proline, which is neutral and non-polar, at codon 487 of the MAOA protein (p.Thr487Pro). This variant is not present in population databases (gnomAD no frequency). This variant has not been reported in the literature in individuals affected with MAOA-related conditions. An algorithm developed to predict the effect of missense changes on protein structure and function (PolyPhen-2) suggests that this variant is likely to be tolerated. In summary, the available evidence is currently insufficient to determine the role of this variant in disease. Therefore, it has been classified as a Variant of Uncertain Significance.